The following is an entry in ClinVar:

NM_001243133.2(NLRP3):c.488A>G (p.Asn163Ser)

Gene: NLRP3 (NLR family pyrin domain containing 3; plus strand). Cytogenetic location: 1q44.
Variant type: single nucleotide variant.
Coding change: c.488A>G on transcript NM_001243133.2 (MANE Select); coding-DNA position 488, A replaced by G.
Protein change: p.Asn163Ser; replaces asparagine 163 with serine.
Molecular consequence: missense variant.
Genome position (GRCh38, 1-based): chr1:247,423,937, A>G. VCF-style: chr1-247423937-A-G. GRCh37 (hg19) VCF-style: chr1-247587239-A-G.
Other names: c.488A>G, p.Asn163Ser (NM_001079821.3, NM_001127461.3, NM_001127462.3 and 1 more transcripts); c.494A>G, p.Asn165Ser (NM_004895.5); short protein forms N165S, N163S.
Identifiers: ClinVar variation 103046 (VCV000103046.14), dbSNP rs199475733, ClinGen allele CA230013.

ClinVar aggregate classification (germline): Uncertain significance. Review status: criteria provided, multiple submitters, no conflicts (2 of 4 stars). 5 submissions from 5 submitters: Uncertain significance (4). 1 of the submissions does not count toward it. Last evaluated 2025-12-15.

Conditions:
NLRP3-related disorder. Also called: NLRP3-related condition; NLRP3-Related Disorders.
Cryopyrin associated periodic syndrome (CAPS). Identifiers: Orphanet 208650, MedGen C2316212, MONDO:0016168.
Familial cold autoinflammatory syndrome 1 (FCAS1). Also called: CRYOPYRIN-ASSOCIATED PERIODIC SYNDROME 1; Familial cold inflammatory syndrome 1. Identifiers: Orphanet 47045, MedGen C4551895, MONDO:0007349, OMIM 120100.
Chronic infantile neurological, cutaneous and articular syndrome (CINCA). Also called: CINCA syndrome; CRYOPYRIN-ASSOCIATED PERIODIC SYNDROME 3; CHRONIC NEUROLOGIC CUTANEOUS AND ARTICULAR SYNDROME; Prieur Griscelli syndrome. Identifiers: Orphanet 1451, MedGen C0409818, MONDO:0011776, OMIM 607115.
Hearing loss, autosomal dominant 34, with or without inflammation. Also called: DEAFNESS, AUTOSOMAL DOMINANT 34, WITH OR WITHOUT INFLAMMATION. Identifiers: MedGen C4521680, MONDO:0033261, OMIM 617772.
Keratitis fugax hereditaria. Also called: KERATOENDOTHELIITIS FUGAX HEREDITARIA. Identifiers: Orphanet 647815, MedGen C1835697, MONDO:0007849, OMIM 148200.
Familial amyloid nephropathy with urticaria AND deafness (MWS). Also called: UDA SYNDROME; URTICARIA-DEAFNESS-AMYLOIDOSIS SYNDROME; Urticaria, deafness and amyloidosis; CRYOPYRIN-ASSOCIATED PERIODIC SYNDROME 2; MUCKLE-WELLS SYNDROME. Identifiers: Orphanet 575, MedGen C0268390, MONDO:0008633, OMIM 191900.

Allele frequency attached by ClinVar (database versions not stated): gnomAD exomes 0.00001; ExAC 0.00002; TOPMed 0.00008; gnomAD 0.00014 and 0.00015.

Submissions (5):

Labcorp Genetics (formerly Invitae), Labcorp
Classification: Uncertain significance for Cryopyrin associated periodic syndrome. Last evaluated: 2025-12-15. Review status: criteria provided, single submitter. Criteria: Invitae Variant Classification Sherloc (09022015). Collection method: clinical testing. Allele origin: germline.
Comment: This sequence change replaces asparagine, which is neutral and polar, with serine, which is neutral and polar, at codon 165 of the NLRP3 protein (p.Asn165Ser). This variant is present in population databases (rs199475733, gnomAD 0.03%). This variant has not been reported in the literature in individuals affected with NLRP3-related conditions. ClinVar contains an entry for this variant (Variation ID: 103046). An algorithm developed to predict the effect of missense changes on protein structure and function outputs the following: PolyPhen-2: "Benign". The serine amino acid residue is found in multiple mammalian species, which suggests that this missense change does not adversely affect protein function. In summary, the available evidence is currently insufficient to determine the role of this variant in disease. Therefore, it has been classified as a Variant of Uncertain Significance.

PreventionGenetics, part of Exact Sciences
Classification: Uncertain significance for NLRP3-related condition. Last evaluated: 2025-03-01. Review status: criteria provided, single submitter. Criteria: ACMG Guidelines, 2015. Collection method: clinical testing. Allele origin: germline.
Comment: The NLRP3 c.494A>G variant is predicted to result in the amino acid substitution p.Asn165Ser. To our knowledge, this variant has not been reported in the literature. This variant is reported in 0.032% of alleles in individuals of African descent in gnomAD. At this time, the clinical significance of this variant is uncertain due to the absence of conclusive functional and genetic evidence.

GeneDx
Classification: Uncertain significance. Last evaluated: 2024-03-25. Review status: criteria provided, single submitter. Criteria: GeneDx Variant Classification Process June 2021. Collection method: clinical testing. Allele origin: germline. Affected: yes.
Comment: In silico analysis supports that this missense variant does not alter protein structure/function; Has not been previously published as pathogenic or benign to our knowledge; Also known as p.(N163S); This variant is associated with the following publications: (PMID: 32082075, 28421071)

Fulgent Genetics
Classification: Uncertain significance for Familial cold autoinflammatory syndrome 1; Keratitis fugax hereditaria; Familial amyloid nephropathy with urticaria AND deafness; Chronic infantile neurological, cutaneous and articular syndrome; Hearing loss, autosomal dominant 34, with or without inflammation. Last evaluated: 2024-03-11. Review status: criteria provided, single submitter. Criteria: ACMG Guidelines, 2015. Collection method: clinical testing. Allele origin: germline.

Human Evolutionary Genetics, Institut Pasteur
No classification provided. Review status: no classification provided. Collection method: not provided. Allele origin: germline. Not counted in ClinVar's aggregate classification.
ClinVar note: Converted during submission from untested to not provided.